The following is an entry in ClinVar:

NM_182961.4(SYNE1):c.15678G>A (p.Met5226Ile)

Gene: SYNE1 (spectrin repeat containing nuclear envelope protein 1; minus strand). Cytogenetic location: 6q25.2.
Variant type: single nucleotide variant.
Coding change: c.15678G>A on transcript NM_182961.4 (MANE Select); coding-DNA position 15678, G replaced by A.
Protein change: p.Met5226Ile; replaces methionine 5226 with isoleucine.
Molecular consequence: missense variant.
Genome position (GRCh38, 1-based): chr6:152,323,717, C>T on the plus strand (G>A on the coding strand, the complement: SYNE1 is on the minus strand). VCF-style: chr6-152323717-C-T. GRCh37 (hg19) VCF-style: chr6-152644852-C-T.
Other names: c.15465G>A, p.Met5155Ile (NM_033071.5); short protein forms M5226I, M5155I.
Identifiers: ClinVar variation 1047208 (VCV001047208.8), dbSNP rs2095955611, ClinGen allele CA366090698.

ClinVar aggregate classification (germline): Uncertain significance (1 of 4 stars; one submission).

Conditions:
Emery-Dreifuss muscular dystrophy 4, autosomal dominant (EDMD4). Also called: EMERY-DREIFUSS MUSCULAR DYSTROPHY 4 WITH VARIABLE FEATURES. Identifiers: Orphanet 261, MedGen C2751807, MONDO:0013071, OMIM 612998.
Autosomal recessive ataxia, Beauce type. Also called: Spinocerebellar ataxia, autosomal recessive 8; ATAXIA, RECESSIVE, OF BEAUCE; SYNE1 Deficiency; SYNE1-Related Autosomal Recessive Cerebellar Ataxia. Identifiers: Orphanet 88644, MedGen C1853116, MONDO:0012549, OMIM 610743.

Allele frequency attached by ClinVar (database versions not stated): gnomAD exomes below 0.00001.
gnomAD v4.1: 6 of 1,614,188 alleles (0.00037%); highest among the groups gnomAD compares: Non-Finnish European, 0.00051%; no homozygotes.

Submission:

Labcorp Genetics (formerly Invitae), Labcorp
Classification: Uncertain significance for Emery-Dreifuss muscular dystrophy 4, autosomal dominant; Autosomal recessive ataxia, Beauce type. Last evaluated: 2020-10-24. Review status: criteria provided, single submitter. Criteria: Invitae Variant Classification Sherloc (09022015). Collection method: clinical testing. Allele origin: germline.
Comment: In summary, the available evidence is currently insufficient to determine the role of this variant in disease. Therefore, it has been classified as a Variant of Uncertain Significance. Algorithms developed to predict the effect of missense changes on protein structure and function output the following: SIFT: "Tolerated"; PolyPhen-2: "Benign"; Align-GVGD: "Class C0". The isoleucine amino acid residue is found in multiple mammalian species, suggesting that this missense change does not adversely affect protein function. These predictions have not been confirmed by published functional studies and their clinical significance is uncertain. This variant has not been reported in the literature in individuals with SYNE1-related conditions. This variant is not present in population databases (ExAC no frequency). This sequence change replaces methionine with isoleucine at codon 5155 of the SYNE1 protein (p.Met5155Ile). The methionine residue is weakly conserved and there is a small physicochemical difference between methionine and isoleucine.